The following is an entry in ClinVar:

ClinVar aggregate classification (germline): Benign/Likely benign. Review status: criteria provided, single submitter (1 of 4 stars). 2 submissions from 1 submitter: Benign (1); Likely benign (1). Last evaluated 2018-01-12.

Conditions:
Gorlin syndrome. Also called: Basal cell nevus syndrome; Nevoid Basal Cell Carcinoma Syndrome. Identifiers: Orphanet 377, MedGen C0004779, MONDO:0007187.
Holoprosencephaly 7 (HPE7). Identifiers: Orphanet 2162, MedGen C1835820, MONDO:0012562, OMIM 610828.

Allele frequency attached by ClinVar (database versions not stated): gnomAD 0.00003 and 0.00021; TOPMed 0.00006; gnomAD exomes 0.00100; 1000 Genomes Project 30x 0.00109; 1000 Genomes Project 0.00140.
gnomAD v4.1: 284 of 409,424 alleles (0.069%); highest among the groups gnomAD compares: South Asian, 0.48%; 3 homozygotes.

Submissions (2):

Illumina Laboratory Services, Illumina
Classification: Benign for Basal cell nevus syndrome 1. Last evaluated: 2018-01-12. Review status: criteria provided, single submitter. Criteria: ICSL Variant Classification Criteria 13 December 2019. Collection method: clinical testing. Allele origin: germline.
Comment: This variant was observed in the ICSL laboratory as part of a predisposition screen in an ostensibly healthy population. It had not been previously curated by ICSL or reported in the Human Gene Mutation Database (HGMD: prior to June 1st, 2018), and was therefore a candidate for classification through an automated scoring system. Utilizing variant allele frequency, disease prevalence and penetrance estimates, and inheritance mode, an automated score was calculated to assess if this variant is too frequent to cause the disease. Based on the score and internal cut-off values, a variant classified as benign is not then subjected to further curation. The score for this variant resulted in a classification of benign for this disease.

Illumina Laboratory Services, Illumina
Classification: Likely benign for Holoprosencephaly 7. Last evaluated: 2018-01-12. Review status: criteria provided, single submitter. Criteria: ICSL Variant Classification Criteria 13 December 2019. Collection method: clinical testing. Allele origin: germline.
Comment: This variant was observed in the ICSL laboratory as part of a predisposition screen in an ostensibly healthy population. It had not been previously curated by ICSL or reported in the Human Gene Mutation Database (HGMD: prior to June 1st, 2018), and was therefore a candidate for classification through an automated scoring system. Utilizing variant allele frequency, disease prevalence and penetrance estimates, and inheritance mode, an automated score was calculated to assess if this variant is too frequent to cause the disease. Based on the score and internal cut-off values, a variant classified as likely benign is not then subjected to further curation. The score for this variant resulted in a classification of likely benign for this disease.

NM_000264.5(PTCH1):c.*153T>C

Gene: PTCH1 (patched 1; minus strand). Cytogenetic location: 9q22.32.
Variant type: single nucleotide variant.
Coding change: c.*153T>C on transcript NM_000264.5 (MANE Select); 153 bases downstream of the stop codon, T replaced by C.
Molecular consequence: 3 prime UTR variant. On other transcripts: non-coding transcript variant (1).
Genome position (GRCh38, 1-based): chr9:95,446,240, A>G on the plus strand (T>C on the coding strand, the complement: PTCH1 is on the minus strand). VCF-style: chr9-95446240-A-G. GRCh37 (hg19) VCF-style: chr9-98208522-A-G.
Other names: c.*153T>C (NM_001083602.3, NM_001083603.3, NM_001083604.3 and 4 more transcripts).
Identifiers: ClinVar variation 912789 (VCV000912789.4), dbSNP rs576864680, ClinGen allele CA196556196.
Genomic context (GRCh38, chr9:95,446,240, plus strand): 5'-CTTCCTTCCTATATTACACATGTGTACATCTCTTAAATATTTATAGAAATATTTAACAAA[A>G]TAATACAATCGGTTACAGTAACAATGAACTGCTGTCCTGGCACAGGGCATCTTTTCCATA-3'